The following is an entry in ClinVar:

ClinVar aggregate classification (germline): Uncertain significance (1 of 4 stars; one submission).

Conditions:
Hereditary spastic paraplegia 30. Identifiers: Orphanet 101010, MedGen C5235139, MONDO:0012476.
Neuropathy, hereditary sensory, type 2C. Also called: Hereditary sensory and autonomic neuropathy type IIC; KIF1A-Related HSAN2 (HSAN2C). Identifiers: Orphanet 970, MedGen C3280168, MONDO:0013634, OMIM 614213.
Intellectual disability, autosomal dominant 9 (NESCAVS). Also called: NESCAV SYNDROME; KIF1A-Related Neurodevelopmental Disorder. Identifiers: Orphanet 662367, MedGen C5393830, MONDO:0013656, OMIM 614255.

gnomAD v4.1: 15 of 1,611,902 alleles (0.00093%); highest among the groups gnomAD compares: Non-Finnish European, 0.0013%; no homozygotes.

Submission:

Labcorp Genetics (formerly Invitae), Labcorp
Classification: Uncertain significance for Hereditary spastic paraplegia 30; Neuropathy, hereditary sensory, type 2C; Intellectual disability, autosomal dominant 9. Last evaluated: 2023-10-13. Review status: criteria provided, single submitter. Criteria: Invitae Variant Classification Sherloc (09022015). Collection method: clinical testing. Allele origin: germline.
Comment: This sequence change replaces aspartic acid, which is acidic and polar, with glutamic acid, which is acidic and polar, at codon 1030 of the KIF1A protein (p.Asp1030Glu). This variant is not present in population databases (gnomAD no frequency). This variant has not been reported in the literature in individuals affected with KIF1A-related conditions. ClinVar contains an entry for this variant (Variation ID: 1388468). Advanced modeling of protein sequence and biophysical properties (such as structural, functional, and spatial information, amino acid conservation, physicochemical variation, residue mobility, and thermodynamic stability) performed at Invitae indicates that this missense variant is not expected to disrupt KIF1A protein function. In summary, the available evidence is currently insufficient to determine the role of this variant in disease. Therefore, it has been classified as a Variant of Uncertain Significance.

NM_001244008.2(KIF1A):c.3393C>A (p.Asp1131Glu)

Gene: KIF1A (kinesin family member 1A; minus strand). Cytogenetic location: 2q37.3.
Variant type: single nucleotide variant.
Coding change: c.3393C>A on transcript NM_001244008.2 (MANE Select); coding-DNA position 3393, C replaced by A.
Protein change: p.Asp1131Glu; replaces aspartic acid 1131 with glutamic acid.
Molecular consequence: missense variant.
Genome position (GRCh38, 1-based): chr2:240,745,499, G>T on the plus strand (C>A on the coding strand, the complement: KIF1A is on the minus strand). VCF-style: chr2-240745499-G-T. GRCh37 (hg19) VCF-style: chr2-241684916-G-T.
Other names: c.3117C>A, p.Asp1039Glu (NM_001320705.2, NM_001330289.2, NM_001379638.1); c.3192C>A, p.Asp1064Glu (NM_001330290.2, NM_001379634.1, NM_001379635.1 and 1 more transcripts); c.3468C>A, p.Asp1156Glu (NM_001379631.1); c.3342C>A, p.Asp1114Glu (NM_001379632.1); c.3366C>A, p.Asp1122Glu (NM_001379633.1, NM_001379642.1, NM_001379645.1); c.3090C>A, p.Asp1030Glu (NM_001379636.1, NM_001379639.1, NM_001379641.1 and 5 more transcripts); c.3165C>A, p.Asp1055Glu (NM_001379637.1, NM_001379648.1); c.3087C>A, p.Asp1029Glu (NM_001379640.1); short protein forms D1030E, D1039E, D1114E, D1055E, D1064E, D1131E, D1122E, D1156E.
Identifiers: ClinVar variation 1388468 (VCV001388468.8), dbSNP rs776221706, ClinGen allele CA351317540.